The following is an entry in ClinVar:

NM_000081.4(LYST):c.7194A>T (p.Glu2398Asp)

Gene: LYST (lysosomal trafficking regulator; minus strand). Cytogenetic location: 1q42.3.
Variant type: single nucleotide variant.
Coding change: c.7194A>T on transcript NM_000081.4 (MANE Select); coding-DNA position 7194, A replaced by T.
Protein change: p.Glu2398Asp; replaces glutamic acid 2398 with aspartic acid.
Molecular consequence: missense variant.
Genome position (GRCh38, 1-based): chr1:235,755,513, T>A on the plus strand (A>T on the coding strand, the complement: LYST is on the minus strand). VCF-style: chr1-235755513-T-A. GRCh37 (hg19) VCF-style: chr1-235918813-T-A.
Other names: p.Glu2398Asp; c.7194A>T (NM_000081.2); c.7194A>T, p.Glu2398Asp (NM_001301365.1); short protein forms E2398D.
Identifiers: ClinVar variation 1444682 (VCV001444682.6), dbSNP rs759394187, ClinGen allele CA1466206.

ClinVar aggregate classification (germline): Uncertain significance. Review status: criteria provided, multiple submitters, no conflicts (2 of 4 stars). 3 submissions from 3 submitters: Uncertain significance (3). Last evaluated 2025-07-30.

Conditions:
Chédiak-Higashi syndrome (CHS). Also called: Chediak-Higashi Syndrome. Identifiers: Orphanet 167, MedGen C0007965, MONDO:0008963, OMIM 214500.
Inborn genetic diseases. Identifiers: MedGen C0950123, MeSH D030342.

Allele frequency attached by ClinVar (database versions not stated): gnomAD exomes below 0.00001; ExAC 0.00001.
gnomAD v4.1: 5 of 1,613,942 alleles (0.00031%); highest among the groups gnomAD compares: East Asian, 0.011%; no homozygotes.

Submissions (3):

Mayo Clinic Laboratories, Mayo Clinic
Classification: Uncertain significance. Last evaluated: 2025-07-30. Review status: criteria provided, single submitter. Criteria: ACMG Guidelines, 2015. Collection method: clinical testing. Allele origin: germline. Observed: 1 variant allele.
Comment: BP4_moderate, PM2_supporting

Ambry Genetics
Classification: Uncertain significance for Inborn genetic diseases. Last evaluated: 2024-06-04. Review status: criteria provided, single submitter. Criteria: Ambry Variant Classification Scheme 2023. Collection method: clinical testing. Allele origin: germline.

Labcorp Genetics (formerly Invitae), Labcorp
Classification: Uncertain significance for Chédiak-Higashi syndrome. Last evaluated: 2022-07-23. Review status: criteria provided, single submitter. Criteria: Invitae Variant Classification Sherloc (09022015). Collection method: clinical testing. Allele origin: germline.
Comment: This sequence change replaces glutamic acid, which is acidic and polar, with aspartic acid, which is acidic and polar, at codon 2398 of the LYST protein (p.Glu2398Asp). This variant is present in population databases (rs759394187, gnomAD 0.01%). This variant has not been reported in the literature in individuals affected with LYST-related conditions. ClinVar contains an entry for this variant (Variation ID: 1444682). Algorithms developed to predict the effect of missense changes on protein structure and function are either unavailable or do not agree on the potential impact of this missense change (SIFT: "Tolerated"; PolyPhen-2: "Possibly Damaging"; Align-GVGD: "Class C0"). In summary, the available evidence is currently insufficient to determine the role of this variant in disease. Therefore, it has been classified as a Variant of Uncertain Significance.